The following is an entry in ClinVar:

ClinVar aggregate classification (germline): Benign. Review status: criteria provided, multiple submitters, no conflicts (2 of 4 stars). 5 submissions from 5 submitters: Benign (3). 2 of the submissions do not count toward it. Last evaluated 2025-12-04.

Conditions:
Cataract 14 multiple types. Also called: CATARACT 14, ZONULAR PULVERULENT; CATARACT 14, NUCLEAR PULVERULENT; CATARACT 14, NUCLEAR PULVERULENT AND POSTERIOR POLAR; CATARACT 14, NUCLEAR CORALLIFORM; CATARACT 14, EMBRYONAL NUCLEAR; CATARACT 14, COPPOCK-LIKE. Identifiers: Orphanet 91492, MedGen C1866078, MONDO:0011162, OMIM 601885.

Allele frequency attached by ClinVar (database versions not stated): 1000 Genomes Project 30x 0.00094; 1000 Genomes Project 0.00100; ESP Exome Variant Server 0.00200; TOPMed 0.00250; gnomAD 0.00292 and 0.00301; gnomAD exomes 0.00319.
gnomAD v4.1: 4,899 of 1,596,504 alleles (0.31%); highest among the groups gnomAD compares: Admixed American, 0.32%; 13 homozygotes.

Submissions (5):

Labcorp Genetics (formerly Invitae), Labcorp
Classification: Benign for Cataract 14 multiple types. Last evaluated: 2025-12-04. Review status: criteria provided, single submitter. Criteria: Invitae Variant Classification Sherloc (09022015). Collection method: clinical testing. Allele origin: germline.

Illumina Laboratory Services, Illumina
Classification: Benign for Cataract 14 multiple types. Last evaluated: 2018-01-12. Review status: criteria provided, single submitter. Criteria: ICSL Variant Classification Criteria 13 December 2019. Collection method: clinical testing. Allele origin: germline.
Comment: This variant was observed in the ICSL laboratory as part of a predisposition screen in an ostensibly healthy population. It had not been previously curated by ICSL or reported in the Human Gene Mutation Database (HGMD: prior to June 1st, 2018), and was therefore a candidate for classification through an automated scoring system. Utilizing variant allele frequency, disease prevalence and penetrance estimates, and inheritance mode, an automated score was calculated to assess if this variant is too frequent to cause the disease. Based on the score and internal cut-off values, a variant classified as benign is not then subjected to further curation. The score for this variant resulted in a classification of benign for this disease.

Breakthrough Genomics
Classification: Benign. Review status: criteria provided, single submitter. Criteria: ACMG Guidelines, 2015. Collection method: not provided. Allele origin: germline. Inheritance: Autosomal dominant inheritance. Affected: yes.

Clinical Genetics DNA and cytogenetics Diagnostics Lab, Erasmus MC, Erasmus Medical Center
Classification: Likely benign. Review status: no assertion criteria provided. Collection method: clinical testing. Allele origin: germline. Affected: yes. Study: VKGL Data-share Consensus. Not counted in ClinVar's aggregate classification.

Laboratory of Diagnostic Genome Analysis, Leiden University Medical Center (LUMC)
Classification: Likely benign. Review status: no assertion criteria provided. Collection method: clinical testing. Allele origin: germline. Affected: yes. Study: VKGL Data-share Consensus. Not counted in ClinVar's aggregate classification.

NM_021954.4(GJA3):c.398G>A (p.Arg133Gln)

Gene: GJA3 (gap junction protein alpha 3; minus strand). Cytogenetic location: 13q12.11.
Variant type: single nucleotide variant.
Coding change: c.398G>A on transcript NM_021954.4 (MANE Select); coding-DNA position 398, G replaced by A.
Protein change: p.Arg133Gln; replaces arginine 133 with glutamine.
Molecular consequence: missense variant.
Genome position (GRCh38, 1-based): chr13:20,142,891, C>T on the plus strand (G>A on the coding strand, the complement: GJA3 is on the minus strand). VCF-style: chr13-20142891-C-T. GRCh37 (hg19) VCF-style: chr13-20717030-C-T.
Other names: short protein forms R133Q.
Identifiers: ClinVar variation 311346 (VCV000311346.18), dbSNP rs149933083, ClinGen allele CA6904121.